The following is an entry in ClinVar:

NM_001243133.2(NLRP3):c.86A>T (p.Asp29Val)

Gene: NLRP3 (NLR family pyrin domain containing 3; plus strand). Cytogenetic location: 1q44.
Variant type: single nucleotide variant.
Coding change: c.86A>T on transcript NM_001243133.2 (MANE Select); coding-DNA position 86, A replaced by T.
Protein change: p.Asp29Val; replaces aspartic acid 29 with valine.
Molecular consequence: missense variant.
Genome position (GRCh38, 1-based): chr1:247,418,886, A>T. VCF-style: chr1-247418886-A-T. GRCh37 (hg19) VCF-style: chr1-247582188-A-T.
Other names: c.86A>T, p.Asp29Val (NM_001079821.3, NM_001127461.3, NM_001127462.3 and 1 more transcripts); c.92A>T, p.Asp31Val (NM_004895.5); short protein forms D29V, D31V.
Identifiers: ClinVar variation 1303512 (VCV001303512.4), dbSNP rs2103083832, ClinGen allele CA345552181.

ClinVar aggregate classification (germline): Uncertain significance. Review status: criteria provided, multiple submitters, no conflicts (2 of 4 stars). 2 submissions from 2 submitters: Uncertain significance (2). Last evaluated 2024-03-26.

Conditions:
Cryopyrin associated periodic syndrome (CAPS). Identifiers: Orphanet 208650, MedGen C2316212, MONDO:0016168.

Allele frequency attached by ClinVar (database versions not stated): gnomAD exomes below 0.00001.

Submissions (2):

Labcorp Genetics (formerly Invitae), Labcorp
Classification: Uncertain significance for Cryopyrin associated periodic syndrome. Last evaluated: 2024-03-26. Review status: criteria provided, single submitter. Criteria: Invitae Variant Classification Sherloc (09022015). Collection method: clinical testing. Allele origin: germline.
Comment: This sequence change replaces aspartic acid, which is acidic and polar, with valine, which is neutral and non-polar, at codon 31 of the NLRP3 protein (p.Asp31Val). This variant is not present in population databases (gnomAD no frequency). This missense change has been observed in individuals with Muckle-Wells syndrome (PMID: 28028683, 28229991). This variant is also known as D29V; A92T. ClinVar contains an entry for this variant (Variation ID: 1303512). Advanced modeling of protein sequence and biophysical properties (such as structural, functional, and spatial information, amino acid conservation, physicochemical variation, residue mobility, and thermodynamic stability) has been performed at Invitae for this missense variant, however the output from this modeling did not meet the statistical confidence thresholds required to predict the impact of this variant on NLRP3 protein function. Experimental studies have shown that this missense change affects NLRP3 function (PMID: 28229991). In summary, the available evidence is currently insufficient to determine the role of this variant in disease. Therefore, it has been classified as a Variant of Uncertain Significance.

GeneDx
Classification: Uncertain significance. Last evaluated: 2020-07-06. Review status: criteria provided, single submitter. Criteria: GeneDx Variant Classification Process June 2021. Collection method: clinical testing. Allele origin: germline. Affected: yes.
Comment: Not observed in large population cohorts (Lek et al., 2016); In silico analysis supports that this missense variant has a deleterious effect on protein structure/function; This variant is associated with the following publications: (PMID: 28229991, 28028683)

Literature cited by the submitters: PubMed 28028683 (cited by Labcorp Genetics (formerly Invitae), Labcorp); PubMed 28229991 (cited by Labcorp Genetics (formerly Invitae), Labcorp).